The following is an entry in ClinVar:

NM_001009944.3(PKD1):c.6518T>G (p.Val2173Gly)

Gene: PKD1 (polycystin 1, transient receptor potential channel interacting; minus strand). Cytogenetic location: 16p13.3.
Variant type: single nucleotide variant.
Coding change: c.6518T>G on transcript NM_001009944.3 (MANE Select); coding-DNA position 6518, T replaced by G.
Protein change: p.Val2173Gly; replaces valine 2173 with glycine.
Molecular consequence: missense variant.
Genome position (GRCh38, 1-based): chr16:2,108,649, A>C on the plus strand (T>G on the coding strand, the complement: PKD1 is on the minus strand). VCF-style: chr16-2108649-A-C. GRCh37 (hg19) VCF-style: chr16-2158650-A-C.
Other names: c.6518T>G, p.Val2173Gly (NM_000296.4); short protein forms V2173G.
Identifiers: ClinVar variation 4687418 (VCV004687418.1).

ClinVar aggregate classification (germline): Uncertain significance (1 of 4 stars; one submission).

Submission:

Women's Health and Genetics/Laboratory Corporation of America, LabCorp
Classification: Uncertain significance. Last evaluated: 2025-10-09. Review status: criteria provided, single submitter. Criteria: LabCorp Variant Classification Summary - May 2015. Collection method: clinical testing. Allele origin: germline.
Comment: Variant summary: PKD1 c.6518T>G (p.Val2173Gly) results in a non-conservative amino acid change in the encoded protein sequence. Algorithms developed to predict the effect of missense changes on protein structure and function all suggest that this variant is likely to be disruptive. The variant was absent in 174304 control chromosomes. The available data on variant occurrences in the general population are insufficient to allow any conclusion about variant significance. To our knowledge, no occurrence of c.6518T>G in individuals affected with PKD1-related conditions and no experimental evidence demonstrating its impact on protein function have been reported. No submitters have cited clinical-significance assessments for this variant to ClinVar. Based on the evidence outlined above, the variant was classified as uncertain significance.